The following is an entry in ClinVar:

NM_001164508.2(NEB):c.10288A>T (p.Ser3430Cys)

Gene: NEB (nebulin; minus strand). Cytogenetic location: 2q23.3.
Variant type: single nucleotide variant.
Coding change: c.10288A>T on transcript NM_001164508.2 (MANE Select); coding-DNA position 10288, A replaced by T.
Protein change: p.Ser3430Cys; replaces serine 3430 with cysteine.
Molecular consequence: missense variant.
Genome position (GRCh38, 1-based): chr2:151,627,061, T>A on the plus strand (A>T on the coding strand, the complement: NEB is on the minus strand). VCF-style: chr2-151627061-T-A. GRCh37 (hg19) VCF-style: chr2-152483575-T-A.
Other names: c.10288A>T, p.Ser3430Cys (NM_001164507.2, NM_001271208.2); c.9559A>T, p.Ser3187Cys (NM_004543.5); short protein forms S3187C, S3430C.
Identifiers: ClinVar variation 4532670 (VCV004532670.1).

ClinVar aggregate classification (germline): Uncertain significance (1 of 4 stars; one submission).

gnomAD v4.1: 3 of 1,613,816 alleles (0.00019%); highest among the groups gnomAD compares: Admixed American, 0.0033%; no homozygotes.

Submission:

GeneDx
Classification: Uncertain significance. Last evaluated: 2025-05-27. Review status: criteria provided, single submitter. Criteria: GeneDx Variant Classification Process June 2021. Collection method: clinical testing. Allele origin: germline. Affected: yes.
Comment: Not observed at significant frequency in large population cohorts (gnomAD); In silico analysis suggests that this missense variant does not alter protein structure/function; Has not been previously published as pathogenic or benign to our knowledge